The following is an entry in ClinVar:

NM_001007553.3(CSDE1):c.1190C>T (p.Pro397Leu)

Gene: CSDE1 (cold shock domain containing E1; minus strand). Cytogenetic location: 1p13.2.
Variant type: single nucleotide variant.
Coding change: c.1190C>T on transcript NM_001007553.3 (MANE Select); coding-DNA position 1190, C replaced by T.
Protein change: p.Pro397Leu; replaces proline 397 with leucine.
Molecular consequence: missense variant.
Genome position (GRCh38, 1-based): chr1:114,730,509, G>A on the plus strand (C>T on the coding strand, the complement: CSDE1 is on the minus strand). VCF-style: chr1-114730509-G-A. GRCh37 (hg19) VCF-style: chr1-115273130-G-A.
Other names: c.1235C>T, p.Pro412Leu (NM_001130523.3); c.1328C>T, p.Pro443Leu (NM_001242891.2); c.1190C>T, p.Pro397Leu (NM_001242892.2); c.1097C>T, p.Pro366Leu (NM_001242893.2, NM_007158.6); short protein forms P366L, P397L, P412L, P443L.
Identifiers: ClinVar variation 3368300 (VCV003368300.1).

ClinVar aggregate classification (germline): Uncertain significance (1 of 4 stars; one submission).

Submission:

GeneDx
Classification: Uncertain significance. Last evaluated: 2024-01-23. Review status: criteria provided, single submitter. Criteria: GeneDx Variant Classification Process June 2021. Collection method: clinical testing. Allele origin: germline. Affected: yes.
Comment: Not observed at significant frequency in large population cohorts (gnomAD); In silico analysis supports that this missense variant has a deleterious effect on protein structure/function; Has not been previously published as pathogenic or benign to our knowledge